The following is an entry in ClinVar:

ClinVar aggregate classification (germline): Uncertain significance (1 of 4 stars; one submission).

Submission:

GeneDx
Classification: Uncertain significance. Last evaluated: 2025-02-04. Review status: criteria provided, single submitter. Criteria: GeneDx Variant Classification Process June 2021. Collection method: clinical testing. Allele origin: germline. Affected: yes.
Comment: Not observed at significant frequency in large population cohorts (gnomAD); In silico analysis indicates that this missense variant does not alter protein structure/function; Has not been previously published as pathogenic or benign to our knowledge

NM_022893.4(BCL11A):c.1324C>G (p.Leu442Val)

Gene: BCL11A (BCL11 transcription factor A; minus strand). Cytogenetic location: 2p16.1.
Variant type: single nucleotide variant.
Coding change: c.1324C>G on transcript NM_022893.4 (MANE Select); coding-DNA position 1324, C replaced by G.
Protein change: p.Leu442Val; replaces leucine 442 with valine.
Molecular consequence: missense variant. On other transcripts: intron variant (6).
Genome position (GRCh38, 1-based): chr2:60,461,588, G>C on the plus strand (C>G on the coding strand, the complement: BCL11A is on the minus strand). VCF-style: chr2-60461588-G-C. GRCh37 (hg19) VCF-style: chr2-60688723-G-C.
Other names: c.1222C>G, p.Leu408Val (NM_001363864.1, NM_001365609.1, NM_001405711.1 and 2 more transcripts); c.1324C>G, p.Leu442Val (NM_001405708.1, NM_001405709.1, NM_001405710.1 and 1 more transcripts); c.1168C>G, p.Leu390Val (NM_001405713.1, NM_001405714.1, NM_001405715.1 and 3 more transcripts); c.1066C>G, p.Leu356Val (NM_001405717.1, NM_001405718.1, NM_001405724.1); c.991C>G, p.Leu331Val (NM_001405720.1, NM_001405721.1); c.868C>G, p.Leu290Val (NM_001405725.1, NM_001405726.1, NM_001405727.1 and 1 more transcripts); c.631C>G, p.Leu211Val (NM_001405729.1); c.787C>G, p.Leu263Val (NM_001405730.1); and 5 more; short protein forms L111V, L211V, L263V, L290V, L331V, L356V, L390V, L408V.
Identifiers: ClinVar variation 4072753 (VCV004072753.1).
Genomic context (GRCh38, chr2:60,461,588, plus strand): 5'-CGCTGCTGGCGCTGCCCACCAAGTCGCTGGTGCCGGGTTCCGGGGAGCTGGCGGTGGAGA[G>C]ACCGTCGTCGGACTTGACCGTCATGGGGGACGATTTGTGCATGTGCGTCTTCATGTGGCG-3'
Protein context (NP_075044.2, residues 432-452): SPMTVKSDDG[Leu442Val]STASSPEPGT